The following is an entry in ClinVar:

NM_004281.4(BAG3):c.1558C>T (p.Pro520Ser)

Gene: BAG3 (BAG cochaperone 3; plus strand). Cytogenetic location: 10q26.11.
Variant type: single nucleotide variant.
Coding change: c.1558C>T on transcript NM_004281.4 (MANE Select); coding-DNA position 1558, C replaced by T.
Protein change: p.Pro520Ser; replaces proline 520 with serine.
Molecular consequence: missense variant.
Genome position (GRCh38, 1-based): chr10:119,677,112, C>T. VCF-style: chr10-119677112-C-T. GRCh37 (hg19) VCF-style: chr10-121436624-C-T.
Other names: short protein forms P520S.
Identifiers: ClinVar variation 571678 (VCV000571678.8), dbSNP rs760699965, ClinGen allele CA5716570.

ClinVar aggregate classification (germline): Uncertain significance. Review status: criteria provided, multiple submitters, no conflicts (2 of 4 stars). 3 submissions from 3 submitters: Uncertain significance (3). Last evaluated 2025-04-28.

Conditions:
Dilated cardiomyopathy 1HH (CMD1HH). Identifiers: Orphanet 154, MedGen C3151293, MONDO:0013479, OMIM 613881.
Myofibrillar myopathy 6. Identifiers: Orphanet 199340, MedGen C2751831, MONDO:0013061, OMIM 612954.

Allele frequency attached by ClinVar (database versions not stated): gnomAD exomes 0.00001 and 0.00002; ExAC 0.00002.

Submissions (3):

Labcorp Genetics (formerly Invitae), Labcorp
Classification: Uncertain significance for Dilated cardiomyopathy 1HH; Myofibrillar myopathy 6. Last evaluated: 2025-04-28. Review status: criteria provided, single submitter. Criteria: Invitae Variant Classification Sherloc (09022015). Collection method: clinical testing. Allele origin: germline.
Comment: This sequence change replaces proline, which is neutral and non-polar, with serine, which is neutral and polar, at codon 520 of the BAG3 protein (p.Pro520Ser). This variant is present in population databases (rs760699965, gnomAD 0.01%). This missense change has been observed in individual(s) with dilated cardiomyopathy (PMID: 31737537). ClinVar contains an entry for this variant (Variation ID: 571678). Invitae Evidence Modeling of protein sequence and biophysical properties (such as structural, functional, and spatial information, amino acid conservation, physicochemical variation, residue mobility, and thermodynamic stability) indicates that this missense variant is not expected to disrupt BAG3 protein function with a negative predictive value of 80%. In summary, the available evidence is currently insufficient to determine the role of this variant in disease. Therefore, it has been classified as a Variant of Uncertain Significance.

GeneDx
Classification: Uncertain significance. Last evaluated: 2022-10-14. Review status: criteria provided, single submitter. Criteria: GeneDx Variant Classification Process June 2021. Collection method: clinical testing. Allele origin: germline. Affected: yes.
Comment: Reported in association with DCM; however, case-specific details were not provided (Marschall et al., 2019); Not observed at significant frequency in large population cohorts (gnomAD); In silico analysis supports that this missense variant does not alter protein structure/function; This variant is associated with the following publications: (PMID: 28539123, 31737537)

Fulgent Genetics
Classification: Uncertain significance for Myofibrillar myopathy 6; Dilated cardiomyopathy 1HH. Last evaluated: 2021-09-08. Review status: criteria provided, single submitter. Criteria: ACMG Guidelines, 2015. Collection method: clinical testing. Allele origin: unknown.

Literature cited by the submitters: PubMed 31737537 (cited by Labcorp Genetics (formerly Invitae), Labcorp).